The following is an entry in ClinVar:

NM_032043.3(BRIP1):c.1696G>A (p.Asp566Asn)

Gene: BRIP1 (BRCA1 interacting DNA helicase 1; minus strand). Cytogenetic location: 17q23.2.
Variant type: single nucleotide variant.
Coding change: c.1696G>A on transcript NM_032043.3 (MANE Select); coding-DNA position 1696, G replaced by A.
Protein change: p.Asp566Asn; replaces aspartic acid 566 with asparagine.
Molecular consequence: missense variant.
Genome position (GRCh38, 1-based): chr17:61,780,938, C>T on the plus strand (G>A on the coding strand, the complement: BRIP1 is on the minus strand). VCF-style: chr17-61780938-C-T. GRCh37 (hg19) VCF-style: chr17-59858299-C-T.
Other names: short protein forms D566N.
Identifiers: ClinVar variation 856720 (VCV000856720.14), dbSNP rs1289102059, ClinGen allele CA400480444.
Genomic context (GRCh38, chr17:61,780,938, plus strand): 5'-CTGCAGTTTTCTGTCGTGAACGTTTCTTATTTTTTGGTAGAACCAACAACCCATTTTTGT[C>T]TGAAATATCAATCTGATTTGTCCAGGAGTAAGTCTGTTGAATCGCAATTTTATAATCATC-3'
Protein context (NP_114432.2, residues 556-576): YSWTNQIDIS[Asp566Asn]KNGLLVLPKN

ClinVar aggregate classification (germline): Uncertain significance. Review status: criteria provided, multiple submitters, no conflicts (2 of 4 stars). 2 submissions from 2 submitters: Uncertain significance (2). Last evaluated 2025-09-02.

Conditions:
Hereditary cancer-predisposing syndrome. Also called: Hereditary neoplastic syndrome; Tumor predisposition; Neoplastic Syndromes, Hereditary; Hereditary Cancer Syndrome. Identifiers: Orphanet 140162, MedGen C0027672, MeSH D009386, MONDO:0015356.
Fanconi anemia complementation group J. Also called: BRIP1-Related Fanconi Anemia. Identifiers: Orphanet 84, MedGen C1836860, MONDO:0012187, OMIM 609054.
Familial cancer of breast. Also called: hereditary breast carcinoma; BREAST CANCER, FAMILIAL; Hereditary breast cancer. Identifiers: Orphanet 227535, MedGen C0346153, MONDO:0016419, OMIM 114480. Disease mechanism: loss of function.

Allele frequency attached by ClinVar (database versions not stated): gnomAD exomes below 0.00001; gnomAD 0.00001.
gnomAD v4.1: 2 of 1,613,898 alleles (0.00012%); highest among the groups gnomAD compares: African/African-American, 0.0013%; no homozygotes.

Submissions (2):

Labcorp Genetics (formerly Invitae), Labcorp
Classification: Uncertain significance for Familial cancer of breast; Fanconi anemia complementation group J. Last evaluated: 2025-09-02. Review status: criteria provided, single submitter. Criteria: Invitae Variant Classification Sherloc (09022015). Collection method: clinical testing. Allele origin: germline.
Comment: This sequence change replaces aspartic acid, which is acidic and polar, with asparagine, which is neutral and polar, at codon 566 of the BRIP1 protein (p.Asp566Asn). This variant is present in population databases (no rsID available, gnomAD 0.01%). This variant has not been reported in the literature in individuals affected with BRIP1-related conditions. ClinVar contains an entry for this variant (Variation ID: 856720). Invitae Evidence Modeling of protein sequence and biophysical properties (such as structural, functional, and spatial information, amino acid conservation, physicochemical variation, residue mobility, and thermodynamic stability) indicates that this missense variant is not expected to disrupt BRIP1 protein function with a negative predictive value of 95%. In summary, the available evidence is currently insufficient to determine the role of this variant in disease. Therefore, it has been classified as a Variant of Uncertain Significance.

Ambry Genetics
Classification: Uncertain significance for Hereditary cancer-predisposing syndrome. Last evaluated: 2024-09-25. Review status: criteria provided, single submitter. Criteria: Ambry Variant Classification Scheme 2023. Collection method: clinical testing. Allele origin: germline.
Comment: The p.D566N variant (also known as c.1696G>A), located in coding exon 11 of the BRIP1 gene, results from a G to A substitution at nucleotide position 1696. The aspartic acid at codon 566 is replaced by asparagine, an amino acid with highly similar properties. This amino acid position is conserved. In addition, this alteration is predicted to be tolerated by in silico analysis. Since supporting evidence is limited at this time, the clinical significance of this alteration remains unclear.